The following is an entry in ClinVar:

NM_153717.3(EVC):c.2088_2089dup (p.Arg697fs)

Gene: EVC (EvC ciliary complex subunit 1; plus strand). Cytogenetic location: 4p16.2.
Variant type: Duplication.
Coding change: c.2088_2089dup on transcript NM_153717.3 (MANE Select); coding-DNA positions 2088 to 2089, 2 bases duplicated (CA; older notation c.2088_2089dupCA).
Protein change: p.Arg697fs; shifts the reading frame from arginine 697.
Molecular consequence: frameshift variant.
Genome position (GRCh38, 1-based): chr4:5,797,223-5,797,224, CA duplicated. VCF-style (leftmost placement, unchanged base first): chr4-5797222-T-TCA. GRCh37 (hg19) VCF-style: chr4-5798949-T-TCA.
Other names: c.2088_2089dup, p.Arg697fs (NM_001306090.2); short protein forms R697fs.
Identifiers: ClinVar variation 2925376 (VCV002925376.3), dbSNP rs1366496332, ClinGen allele CA549707511.
Genomic context (GRCh38, chr4:5,797,222, plus strand): 5'-AACAGCGTGCACTGGAGCAGGGGTCCTCCCAGTGCCTGGACGAGCATCAGTGGCAGCTGC[T>TCA]CAGGGCCCTGGTAAGACCAGCATGGTGGCCCCACCCATTCCAGACAGGCGGTGCCCCTGC-3'

ClinVar aggregate classification (germline): Pathogenic (1 of 4 stars; one submission).

Conditions:
Curry-Hall syndrome (WAD). Also called: WEYERS ACRODENTAL DYSOSTOSIS. Identifiers: Orphanet 952, MedGen C0457013, MONDO:0008673, OMIM 193530.
Ellis-van Creveld syndrome (EVC). Also called: EVC-Related Ellis-van Creveld Syndrome; EVC2-Related Ellis-van Creveld Syndrome; MESOECTODERMAL DYSPLASIA; Chondroectodermal dysplasia. Identifiers: Orphanet 289, MedGen C0013903, MONDO:0009162, OMIM 225500.

Allele frequency attached by ClinVar (database versions not stated): TOPMed below 0.00001; gnomAD 0.00001; gnomAD exomes 0.00001.

Submission:

Labcorp Genetics (formerly Invitae), Labcorp
Classification: Pathogenic for Curry-Hall syndrome; Ellis-van Creveld syndrome. Last evaluated: 2023-10-08. Review status: criteria provided, single submitter. Criteria: Invitae Variant Classification Sherloc (09022015). Collection method: clinical testing. Allele origin: germline.
Comment: This sequence change creates a premature translational stop signal (p.Arg697Thrfs*15) in the EVC gene. It is expected to result in an absent or disrupted protein product. Loss-of-function variants in EVC are known to be pathogenic (PMID: 23220543). This variant is present in population databases (no rsID available, gnomAD 0.03%). This premature translational stop signal has been observed in individual(s) with Ellis-van Creveld syndrome (PMID: 17024374). This variant is also known as c.2089insCA. For these reasons, this variant has been classified as Pathogenic.

Literature cited by the submitters: PubMed 23220543; PubMed 17024374.